The following is an entry in ClinVar:

NM_003442.6(ZNF143):c.967+46_967+48del

Gene: ZNF143 (zinc finger protein 143; plus strand). Cytogenetic location: 11p15.4.
Variant type: Deletion.
Coding change: c.967+46_967+48del on transcript NM_003442.6 (MANE Select); bases 46 to 48 of the intron after coding-DNA position 967, 3 bases deleted (TTT; older notation c.967+46_967+48delTTT).
Molecular consequence: intron variant.
Genome position (GRCh38, 1-based): chr11:9,497,846-9,497,848, TTT deleted; deleting any 3 consecutive bases within chr11:9,497,829-9,497,848 gives the same sequence; the c. name uses the placement nearest the transcript's 3' end. VCF-style (leftmost placement, unchanged base first): chr11-9497828-CTTT-C. GRCh37 (hg19) VCF-style: chr11-9519375-CTTT-C.
Other names: p.?; c.964+46_964+48del (NM_001282656.2); c.874+46_874+48del (NM_001282657.2).
Identifiers: ClinVar variation 4683594 (VCV004683594.1).
Genomic context (GRCh38, chr11:9,497,828, plus strand): 5'-GAGATCTACAGAAACACATCAGAACTCATACAGGTACTAGTGGAAACAGAGTGTCAAAAT[CTTT>C]TTTTTTTTTTTTTTTTTGAGACGGAGTCTCGCTCTGTCGCCTAGGCTGGAGTGCAGTGGT-3'

ClinVar aggregate classification (germline): Likely benign (1 of 4 stars; one submission).

Submission:

Mayo Clinic Laboratories, Mayo Clinic
Classification: Likely benign. Last evaluated: 2023-03-13. Review status: criteria provided, single submitter. Criteria: ACMG Guidelines, 2015. Collection method: clinical testing. Allele origin: germline. Observed: 3 variant alleles.
Comment: BS1, BP4